The following is an entry in ClinVar:

ClinVar aggregate classification (germline): Uncertain significance (1 of 4 stars; one submission).

Conditions:
CHARGE syndrome (CHARGE). Also called: Hittner Hirsch Kreh syndrome; Coloboma, heart anomaly, choanal atresia, retardation, genital and ear anomalies; CHARGE association; Hall-Hittner syndrome; CHARGE ASSOCIATION--COLOBOMA, HEART ANOMALY, CHOANAL ATRESIA, RETARDATION, GENITAL AND EAR ANOMALIES. Identifiers: Orphanet 138, MedGen C0265354, MONDO:0008965.

Allele frequency attached by ClinVar (database versions not stated): gnomAD exomes below 0.00001; ExAC 0.00001; gnomAD 0.00001; 1000 Genomes Project 0.00020; 1000 Genomes Project 30x 0.00031.
gnomAD v4.1: 2 of 1,609,132 alleles (0.00012%); highest among the groups gnomAD compares: Admixed American, 0.0033%; no homozygotes.

Submission:

Labcorp Genetics (formerly Invitae), Labcorp
Classification: Uncertain significance for CHARGE syndrome. Last evaluated: 2022-02-05. Review status: criteria provided, single submitter. Criteria: Invitae Variant Classification Sherloc (09022015). Collection method: clinical testing. Allele origin: germline.
Comment: In summary, the available evidence is currently insufficient to determine the role of this variant in disease. Therefore, it has been classified as a Variant of Uncertain Significance. Algorithms developed to predict the effect of missense changes on protein structure and function (SIFT, PolyPhen-2, Align-GVGD) all suggest that this variant is likely to be tolerated. ClinVar contains an entry for this variant (Variation ID: 954480). This variant has not been reported in the literature in individuals affected with SEMA3E-related conditions. This variant is present in population databases (rs575712751, gnomAD 0.003%). This sequence change replaces methionine, which is neutral and non-polar, with valine, which is neutral and non-polar, at codon 471 of the SEMA3E protein (p.Met471Val).

NM_012431.3(SEMA3E):c.1411A>G (p.Met471Val)

Gene: SEMA3E (semaphorin 3E; minus strand). Cytogenetic location: 7q21.11.
Variant type: single nucleotide variant.
Coding change: c.1411A>G on transcript NM_012431.3 (MANE Select); coding-DNA position 1411, A replaced by G.
Protein change: p.Met471Val; replaces methionine 471 with valine.
Molecular consequence: missense variant.
Genome position (GRCh38, 1-based): chr7:83,396,685, T>C on the plus strand (A>G on the coding strand, the complement: SEMA3E is on the minus strand). VCF-style: chr7-83396685-T-C. GRCh37 (hg19) VCF-style: chr7-83026001-T-C.
Other names: c.1231A>G, p.Met411Val (NM_001178129.2); short protein forms M471V, M411V.
Identifiers: ClinVar variation 954480 (VCV000954480.10), dbSNP rs575712751, ClinGen allele CA4322034.
Genomic context (GRCh38, chr7:83,396,685, plus strand): 5'-TTGCTTTAAATACCTTGAATATCTGAAGTTCTTCTAGAATTACTTCTTCCATTGATTCCA[T>C]TTCTTGGTTGTAAATTGTGATTACTTTCAGCACAATTCCATTATCTGTAAGAAAACAAAA-3'
Protein context (NP_036563.1, residues 461-481): LKVITIYNQE[Met471Val]ESMEEVILEE